The following is an entry in ClinVar:

ClinVar aggregate classification (germline): Uncertain significance (1 of 4 stars; one submission).

Allele frequency attached by ClinVar (database versions not stated): TOPMed below 0.00001.
gnomAD v4.1: 7 of 1,613,172 alleles (0.00043%); highest among the groups gnomAD compares: Non-Finnish European, 0.00059%; no homozygotes.

Submission:

Labcorp Genetics (formerly Invitae), Labcorp
Classification: Uncertain significance. Last evaluated: 2022-01-26. Review status: criteria provided, single submitter. Criteria: Invitae Variant Classification Sherloc (09022015). Collection method: clinical testing. Allele origin: germline.
Comment: In summary, the available evidence is currently insufficient to determine the role of this variant in disease. Therefore, it has been classified as a Variant of Uncertain Significance. Algorithms developed to predict the effect of missense changes on protein structure and function are either unavailable or do not agree on the potential impact of this missense change (SIFT: "Deleterious"; PolyPhen-2: "Possibly Damaging"; Align-GVGD: "Class C0"). This variant has not been reported in the literature in individuals affected with FGFR3-related conditions. This variant is present in population databases (no rsID available, gnomAD 0.0009%). This sequence change replaces glutamic acid, which is acidic and polar, with lysine, which is basic and polar, at codon 702 of the FGFR3 protein (p.Glu702Lys).

NM_000142.5(FGFR3):c.2104G>A (p.Glu702Lys)

Gene: FGFR3 (fibroblast growth factor receptor 3; plus strand). Cytogenetic location: 4p16.3.
Variant type: single nucleotide variant.
Coding change: c.2104G>A on transcript NM_000142.5 (MANE Select); coding-DNA position 2104, G replaced by A.
Protein change: p.Glu702Lys; replaces glutamic acid 702 with lysine.
Molecular consequence: missense variant. On other transcripts: non-coding transcript variant (1).
Genome position (GRCh38, 1-based): chr4:1,806,619, G>A. VCF-style: chr4-1806619-G-A. GRCh37 (hg19) VCF-style: chr4-1808346-G-A.
Other names: c.2110G>A, p.Glu704Lys (NM_001163213.2); c.2107G>A, p.Glu703Lys (NM_001354809.2); c.2036G>A, p.Gly679Glu (NM_001354810.2); c.1768G>A, p.Glu590Lys (NM_022965.4); short protein forms E702K, E703K, E590K, E704K, G679E.
Identifiers: ClinVar variation 2181338 (VCV002181338.4), dbSNP rs1325547001, ClinGen allele CA355983845.